The following is an entry in ClinVar:

NM_000235.4(LIPA):c.594dup (p.Ala199fs)

Gene: LIPA (lipase A, lysosomal acid type; minus strand). Cytogenetic location: 10q23.31.
Variant type: Duplication.
Coding change: c.594dup on transcript NM_000235.4 (MANE Select); coding-DNA position 594, one base duplicated (T; older notation c.594dupT).
Protein change: p.Ala199fs; shifts the reading frame from alanine 199.
Molecular consequence: frameshift variant.
Genome position (GRCh38, 1-based): chr10:89,225,173, A duplicated on the plus strand (T on the coding strand, the reverse complement: LIPA is on the minus strand); the first of 6 consecutive A bases (chr10:89,225,173-89,225,178); duplicating any one gives the same sequence. VCF-style (leftmost placement, unchanged base first): chr10-89225172-C-CA. GRCh37 (hg19) VCF-style: chr10-90984929-C-CA.
Other names: c.594dupT (NM_000235.3); c.594dup, p.Ala199fs (NM_001127605.3); c.246dup, p.Ala83fs (NM_001288979.2); short protein forms A199fs, A83fs.
Identifiers: ClinVar variation 80 (VCV000000080.24), dbSNP rs780495201, ClinGen allele CA113834.

ClinVar aggregate classification (germline): Pathogenic. Review status: criteria provided, multiple submitters, no conflicts (2 of 4 stars). 9 submissions from 8 submitters: Pathogenic (5). 4 of the submissions do not count toward it. Last evaluated 2026-01-14.

Conditions:
LIPA-related disorder. Also called: LIPA-related condition; LIPA-related disorders.
Lysosomal acid lipase deficiency. Also called: Acid cholesteryl ester hydrolase deficiency, type 2. Identifiers: Orphanet 275761, MedGen C5574740, MONDO:0800449, MONDO:0010204.
Cholesteryl ester storage disease (CESD). Also called: Childhood/Adult-Onset LAL-D (Cholesterol Ester Storage Disease [CESD]). Identifiers: Orphanet 75234, MedGen C0008384, MONDO:0019149, OMIM 278000.
Wolman disease (WOLD). Also called: Acid cholesteryl ester hydrolase deficiency, Wolman type; Acid lipase disease; Infantile-Onset LAL-D (Wolman Disease); Wolman disease with hypolipoproteinemia and acanthocytosis; LYSOSOMAL ACID LIPASE DEFICIENCY, COMPLETE; LIPA DEFICIENCY, COMPLETE. Identifiers: Orphanet 75233, MedGen C0043208, MONDO:0019148, OMIM 620151.

Submissions (9):

Labcorp Genetics (formerly Invitae), Labcorp
Classification: Pathogenic for Wolman disease. Last evaluated: 2026-01-14. Review status: criteria provided, single submitter. Criteria: Invitae Variant Classification Sherloc (09022015). Collection method: clinical testing. Allele origin: germline.
Comment: This sequence change creates a premature translational stop signal (p.Ala199Cysfs*13) in the LIPA gene. It is expected to result in an absent or disrupted protein product. Loss-of-function variants in LIPA are known to be pathogenic (PMID: 23485521). This variant is present in population databases (rs780495201, gnomAD 0.004%). This premature translational stop signal has been observed in individual(s) with LIPA-related conditions (PMID: 8146180, 16255772). ClinVar contains an entry for this variant (Variation ID: 80). For these reasons, this variant has been classified as Pathogenic.

North West Genomic Laboratory Hub, Manchester University NHS Foundation Trust
Classification: Pathogenic for Lysosomal acid lipase deficiency. Last evaluated: 2025-03-10. Review status: criteria provided, single submitter. Criteria: ACGS Best Practice Guidelines for Variant Classification in Rare Disease 2024. Collection method: clinical testing. Allele origin: germline. Affected: yes.
Comment: PP4_Supp PM2_Mod PVS1_VStr

Natera, Inc.
Classification: Pathogenic for Lysosomal acid lipase deficiency. Last evaluated: 2024-05-29. Review status: criteria provided, single submitter. Criteria: Natera Variant Classification Schema (03/2026). Collection method: clinical testing. Allele origin: germline.
Comment: The c.594dupT variant in LIPA is a frameshift variant predicted to shift the reading frame beginning at codon 199 and leads to a stop codon 13 codons downstream. This variant is expected to result in nonsense mediated decay, truncation, or a dysfunctional protein product. This variant is rare in the general population with a frequency below the threshold expected for the associated phenotype(s). This variant has been observed in one or more individuals affected with the associated recessive disease, as either homozygous or compound heterozygous with a second variant (PMID: 26252914). Given the available evidence, this variant is classified as Pathogenic.

Revvity Omics, Revvity
Classification: Pathogenic. Last evaluated: 2022-04-29. Review status: criteria provided, single submitter. Criteria: ACMG Guidelines, 2015. Collection method: clinical testing. Allele origin: germline.

GeneDx
Classification: Pathogenic. Last evaluated: 2020-01-09. Review status: criteria provided, single submitter. Criteria: GeneDx Variant Classification Process June 2021. Collection method: clinical testing. Allele origin: germline. Affected: yes.
Comment: Frameshift variant predicted to result in protein truncation or nonsense mediated decay in a gene for which loss-of-function is a known mechanism of disease; Not observed at a significant frequency in large population cohorts (Lek et al., 2016); This variant is associated with the following publications: (PMID: 16255772, 30315827, 8146180)

PreventionGenetics, part of Exact Sciences
Classification: Pathogenic for LIPA-related condition. Last evaluated: 2024-09-21. Review status: no assertion criteria provided. Collection method: clinical testing. Allele origin: germline. Not counted in ClinVar's aggregate classification.
Comment: The LIPA c.594dupT variant is predicted to result in a frameshift and premature protein termination (p.Ala199Cysfs*13). This variant, in combination with a second pathogenic variant, has reported to be causative for Wolman disease (Anderson et al., 1994. PubMed ID: 8146180; Bernstein DL et al 2013. PubMed ID: 23485521; Tadiboyina VT et al 2005. PubMed ID: 16255772). This variant has been reported as c.634insT and c.594insT. This variant is reported in 0.0040% of alleles in individuals of African descent in gnomAD. Frameshift variants in LIPA are expected to be pathogenic. This variant is interpreted as pathogenic.

Counsyl
Classification: Likely pathogenic for Cholesteryl ester storage disease. Last evaluated: 2016-11-02. Review status: no assertion criteria provided. Collection method: clinical testing. Allele origin: unknown. Not counted in ClinVar's aggregate classification.

OMIM
Classification: Pathogenic for WOLMAN DISEASE. Last evaluated: 1994-03-29. Review status: no assertion criteria provided. Collection method: literature only. Allele origin: germline. Not counted in ClinVar's aggregate classification.

OMIM
Classification: Pathogenic for CHOLESTERYL ESTER STORAGE DISEASE. Last evaluated: 1994-03-29. Review status: no assertion criteria provided. Collection method: literature only. Allele origin: germline. Not counted in ClinVar's aggregate classification.

Literature cited by the submitters: PubMed 23485521 (cited by Labcorp Genetics (formerly Invitae), Labcorp); PubMed 8146180 (cited by 3 submitters); PubMed 16255772 (cited by Labcorp Genetics (formerly Invitae), Labcorp); PubMed 26252914 (cited by Natera, Inc.).